The following is an entry in ClinVar:

NM_014915.3(ANKRD26):c.4771A>C (p.Lys1591Gln)

Gene: ANKRD26 (ankyrin repeat domain 26; minus strand). Cytogenetic location: 10p12.1.
Variant type: single nucleotide variant.
Coding change: c.4771A>C on transcript NM_014915.3 (MANE Select); coding-DNA position 4771, A replaced by C.
Protein change: p.Lys1591Gln; replaces lysine 1591 with glutamine.
Molecular consequence: missense variant.
Genome position (GRCh38, 1-based): chr10:27,013,064, T>G on the plus strand (A>C on the coding strand, the complement: ANKRD26 is on the minus strand). VCF-style: chr10-27013064-T-G. GRCh37 (hg19) VCF-style: chr10-27301993-T-G.
Other names: c.4768A>C, p.Lys1590Gln (NM_001256053.2); short protein forms K1591Q, K1590Q.
Identifiers: ClinVar variation 2893512 (VCV002893512.5), dbSNP rs1236531019, ClinGen allele CA376354964.
Genomic context (GRCh38, chr10:27,013,064, plus strand): 5'-AAGGTGGCTCCATGACTGGCCTGGTAGTGAGAGTGGTGAACAAAGATCTGCTCTGCTGTT[T>G]TTCCACAAGAAGTTTGGTGTTGACCTCTGCTAGCCTCTCATTAGTTCTGTGAAGATTGCA-3'
Protein context (NP_055730.2, residues 1581-1601): AEVNTKLLVE[Lys1591Gln]QQSRSLFTTL

ClinVar aggregate classification (germline): Uncertain significance. Review status: criteria provided, multiple submitters, no conflicts (2 of 4 stars). 3 submissions from 3 submitters: Uncertain significance (3). Last evaluated 2024-11-28.

Conditions:
Inborn genetic diseases. Identifiers: MedGen C0950123, MeSH D030342.

Allele frequency attached by ClinVar (database versions not stated): gnomAD exomes below 0.00001; gnomAD 0.00001; TOPMed 0.00001.
gnomAD v4.1: 4 of 1,613,924 alleles (0.00025%); highest among the groups gnomAD compares: Non-Finnish European, 0.00034%; no homozygotes.

Submissions (3):

Ambry Genetics
Classification: Uncertain significance for Inborn genetic diseases. Last evaluated: 2024-11-28. Review status: criteria provided, single submitter. Criteria: Ambry Variant Classification Scheme 2023. Collection method: clinical testing. Allele origin: germline.
Comment: The p.K1591Q variant (also known as c.4771A>C), located in coding exon 32 of the ANKRD26 gene, results from an A to C substitution at nucleotide position 4771. The lysine at codon 1591 is replaced by glutamine, an amino acid with similar properties. This amino acid position is conserved. In addition, this alteration is predicted to be tolerated by in silico analysis. Based on the available evidence, the clinical significance of this variant remains unclear.

Labcorp Genetics (formerly Invitae), Labcorp
Classification: Uncertain significance. Last evaluated: 2024-08-01. Review status: criteria provided, single submitter. Criteria: Invitae Variant Classification Sherloc (09022015). Collection method: clinical testing. Allele origin: germline.
Comment: This sequence change replaces lysine, which is basic and polar, with glutamine, which is neutral and polar, at codon 1591 of the ANKRD26 protein (p.Lys1591Gln). This variant is not present in population databases (gnomAD no frequency). This variant has not been reported in the literature in individuals affected with ANKRD26-related conditions. An algorithm developed to predict the effect of missense changes on protein structure and function (PolyPhen-2) suggests that this variant is likely to be disruptive. In summary, the available evidence is currently insufficient to determine the role of this variant in disease. Therefore, it has been classified as a Variant of Uncertain Significance.

GeneDx
Classification: Uncertain significance. Last evaluated: 2024-01-17. Review status: criteria provided, single submitter. Criteria: GeneDx Variant Classification Process June 2021. Collection method: clinical testing. Allele origin: germline. Affected: yes.
Comment: Not observed at significant frequency in large population cohorts (gnomAD); In silico analysis supports that this missense variant does not alter protein structure/function; Has not been previously published as pathogenic or benign to our knowledge